The following is an entry in ClinVar:

ClinVar aggregate classification (germline): Uncertain significance. Review status: criteria provided, multiple submitters, no conflicts (2 of 4 stars). 2 submissions from 2 submitters: Uncertain significance (2). Last evaluated 2022-06-04.

Conditions:
Senior-Loken syndrome 8 (SLSN8). Identifiers: Orphanet 3156, MedGen C4225376, MONDO:0014579, OMIM 616307.
Asphyxiating thoracic dystrophy 5 (SRTD5). Also called: SHORT-RIB THORACIC DYSPLASIA 5 WITH OR WITHOUT POLYDACTYLY; SHORT-RIB THORACIC DYSPLASIA 5 WITHOUT POLYDACTYLY. Identifiers: Orphanet 474, MedGen C3280598, MONDO:0013717, OMIM 614376.

Allele frequency attached by ClinVar (database versions not stated): gnomAD exomes below 0.00001; TOPMed below 0.00001.
gnomAD v4.1: 1 of 1,610,938 alleles (0.000062%); highest among the groups gnomAD compares: South Asian, 0.0011%; no homozygotes.

Submissions (2):

Labcorp Genetics (formerly Invitae), Labcorp
Classification: Uncertain significance for Senior-Loken syndrome 8; Asphyxiating thoracic dystrophy 5. Last evaluated: 2022-06-04. Review status: criteria provided, single submitter. Criteria: Invitae Variant Classification Sherloc (09022015). Collection method: clinical testing. Allele origin: germline.
Comment: In summary, the available evidence is currently insufficient to determine the role of this variant in disease. Therefore, it has been classified as a Variant of Uncertain Significance. Algorithms developed to predict the effect of missense changes on protein structure and function are either unavailable or do not agree on the potential impact of this missense change (SIFT: "Deleterious"; PolyPhen-2: "Probably Damaging"; Align-GVGD: "Class C0"). ClinVar contains an entry for this variant (Variation ID: 425333). This variant has not been reported in the literature in individuals affected with WDR19-related conditions. This variant is not present in population databases (gnomAD no frequency). This sequence change replaces leucine, which is neutral and non-polar, with valine, which is neutral and non-polar, at codon 367 of the WDR19 protein (p.Leu367Val).

CeGaT Center for Human Genetics Tuebingen
Classification: Uncertain significance. Last evaluated: 2016-10-01. Review status: criteria provided, single submitter. Criteria: CeGaT Center For Human Genetics Tuebingen Variant Classification Criteria Version 2. Collection method: clinical testing. Allele origin: germline. Affected: yes. Observed: 1 variant allele.

NM_025132.4(WDR19):c.1099C>G (p.Leu367Val)

Gene: WDR19 (WD repeat domain 19; plus strand). Cytogenetic location: 4p14.
Variant type: single nucleotide variant.
Coding change: c.1099C>G on transcript NM_025132.4 (MANE Select); coding-DNA position 1099, C replaced by G.
Protein change: p.Leu367Val; replaces leucine 367 with valine.
Molecular consequence: missense variant.
Genome position (GRCh38, 1-based): chr4:39,215,978, C>G. VCF-style: chr4-39215978-C-G. GRCh37 (hg19) VCF-style: chr4-39217598-C-G.
Other names: c.619C>G, p.Leu207Val (NM_001317924.2); short protein forms L367V, L207V.
Identifiers: ClinVar variation 425333 (VCV000425333.48), dbSNP rs1064797308, ClinGen allele CA16621819.